The following is an entry in ClinVar:

NM_000217.3(KCNA1):c.1187G>T (p.Gly396Val)

Gene: KCNA1 (potassium voltage-gated channel subfamily A member 1; plus strand). Cytogenetic location: 12p13.32.
Variant type: single nucleotide variant.
Coding change: c.1187G>T on transcript NM_000217.3 (MANE Select); coding-DNA position 1187, G replaced by T.
Protein change: p.Gly396Val; replaces glycine 396 with valine.
Molecular consequence: missense variant.
Genome position (GRCh38, 1-based): chr12:4,912,565, G>T. VCF-style: chr12-4912565-G-T. GRCh37 (hg19) VCF-style: chr12-5021731-G-T.
Other names: short protein forms G396V.
Identifiers: ClinVar variation 1098714 (VCV001098714.9), dbSNP rs2137673958, ClinGen allele CA383456234.

ClinVar aggregate classification (germline): Pathogenic/Likely pathogenic. Review status: criteria provided, multiple submitters, no conflicts (2 of 4 stars). 4 submissions from 4 submitters: Pathogenic (1); Likely pathogenic (2). 1 of the submissions does not count toward it. Last evaluated 2024-03-15.

Conditions:
Episodic kinesigenic dyskinesia (EKD). Also called: Paroxysmal kinesigenic dyskinesia. Identifiers: Orphanet 98809, MedGen C1868682, MONDO:0044202.
KCNA1-related disorder. Also called: KCNA1-related disorders; KCNA1-related condition.
Episodic ataxia type 1 (EA1). Also called: MYOKYMIA WITH PERIODIC ATAXIA; PAROXYSMAL ATAXIA WITH NEUROMYOTONIA, HEREDITARY; Episodic ataxia/myokymia syndrome; ATAXIA, EPISODIC, WITH MYOKYMIA. Identifiers: Orphanet 37612, Orphanet 972, MedGen C1719788, MONDO:0008047, OMIM 160120.

Submissions (4):

Blueprint Genetics
Classification: Likely pathogenic for KCNA1-related disorders. Last evaluated: 2024-03-15. Review status: criteria provided, single submitter. Criteria: ACMG Guidelines, 2015. Collection method: clinical testing. Allele origin: germline. Affected: yes. Observed: 1 variant allele.

Labcorp Genetics (formerly Invitae), Labcorp
Classification: Pathogenic for Episodic ataxia type 1. Last evaluated: 2021-06-25. Review status: criteria provided, single submitter. Criteria: Invitae Variant Classification Sherloc (09022015). Collection method: clinical testing. Allele origin: germline.
Comment: This sequence change replaces glycine with valine at codon 396 of the KCNA1 protein (p.Gly396Val). The glycine residue is highly conserved and there is a moderate physicochemical difference between glycine and valine. This variant is not present in population databases (ExAC no frequency). This variant has been observed in individual(s) with epilepsy (Invitae). In at least one individual the variant was observed to be de novo. Advanced modeling of protein sequence and biophysical properties (such as structural, functional, and spatial information, amino acid conservation, physicochemical variation, residue mobility, and thermodynamic stability) performed at Invitae indicates that this missense variant is expected to disrupt KCNA1 protein function. For these reasons, this variant has been classified as Pathogenic.

Experimental Epileptology, AG Lerche, Hertie Institute for Clinical Brain Research
Classification: Likely pathogenic for Episodic kinesigenic dyskinesia. Last evaluated: 2021-05-19. Review status: criteria provided, single submitter. Criteria: ACMG Guidelines, 2015. Collection method: research. Allele origin: de novo. Affected: yes.
Comment: ACMG Criteria: PM1, PM2, PM6, PP2, PP3

Solve-RD Consortium
Classification: Likely pathogenic for Episodic ataxia type 1. Last evaluated: 2022-06-01. Review status: no assertion criteria provided. Collection method: provider interpretation. Allele origin: inherited. Affected: yes. Not counted in ClinVar's aggregate classification.
Comment: Variant confirmed as disease-causing by referring clinical team

Variant identified during reanalysis of unsolved cases by the Solve-RD project. The Solve-RD project has received funding from the European Union’s Horizon 2020 research and innovation programme under grant agreement No 779257.

Literature cited by the submitters: PubMed 34305802 (cited by Experimental Epileptology, AG Lerche, Hertie Institute for Clinical Brain Research); PubMed 39825153 (cited by Solve-RD Consortium).